The following is an entry in ClinVar:

NM_000057.4(BLM):c.557_559del (p.Ser186_Lys187delinsTer)

Gene: BLM (BLM RecQ like helicase; plus strand). Cytogenetic location: 15q26.1.
Variant type: Deletion.
Coding change: c.557_559del on transcript NM_000057.4 (MANE Select); coding-DNA positions 557 to 559, 3 bases deleted (CAA; older notation c.557_559delCAA).
Protein change: p.Ser186_Lys187delinsTer.
Molecular consequence: nonsense. On other transcripts: 5 prime UTR variant (1).
Genome position (GRCh38, 1-based): chr15:90,749,825-90,749,827, CAA deleted. VCF-style (leftmost placement, unchanged base first): chr15-90749824-TCAA-T. GRCh37 (hg19) VCF-style: chr15-91293054-TCAA-T.
Other names: BLM, 3-BP DEL, 631CAA; c.557-559del (LRG_20t1); c.557_559del, p.Ser186_Lys187delinsTer (NM_001287246.2, NM_001287247.2); c.-735_-733del (NM_001287248.2).
Identifiers: ClinVar variation 5455 (VCV000005455.17), dbSNP rs367543035, ClinGen allele CA340416.

ClinVar aggregate classification (germline): Pathogenic. Review status: criteria provided, multiple submitters, no conflicts (2 of 4 stars). 5 submissions from 5 submitters: Pathogenic (2). 3 of the submissions do not count toward it. Last evaluated 2025-09-20.

Conditions:
Bloom syndrome (BLM). Also called: Bloom-Torre-Machacek syndrome. Identifiers: Orphanet 125, MedGen C0005859, MONDO:0008876, OMIM 210900.

Allele frequency attached by ClinVar (database versions not stated): gnomAD 0.00001; gnomAD exomes 0.00001.

Submissions (5):

Labcorp Genetics (formerly Invitae), Labcorp
Classification: Pathogenic for Bloom syndrome. Last evaluated: 2025-09-20. Review status: criteria provided, single submitter. Criteria: Invitae Variant Classification Sherloc (09022015). Collection method: clinical testing. Allele origin: germline.
Comment: This sequence change creates a premature translational stop signal (p.Ser186*) in the BLM gene. It is expected to result in an absent or disrupted protein product. Loss-of-function variants in BLM are known to be pathogenic (PMID: 17407155). This variant is not present in population databases (gnomAD no frequency). This premature translational stop signal has been observed in individual(s) with Bloom syndrome (PMID: 7585968, 17407155). In at least one individual the data is consistent with being in trans (on the opposite chromosome) from a pathogenic variant. It is commonly reported in individuals of Japanese ancestry (PMID: 17407155). ClinVar contains an entry for this variant (Variation ID: 5455). For these reasons, this variant has been classified as Pathogenic.

Baylor Genetics
Classification: Pathogenic for Bloom syndrome. Last evaluated: 2022-03-10. Review status: criteria provided, single submitter. Criteria: ACMG Guidelines, 2015. Collection method: clinical testing. Allele origin: unknown.

Natera, Inc.
Classification: Pathogenic for Bloom syndrome. Last evaluated: 2017-03-16. Review status: no assertion criteria provided. Collection method: clinical testing. Allele origin: germline. Not counted in ClinVar's aggregate classification.

Counsyl
Classification: Pathogenic for Bloom syndrome. Last evaluated: 2016-07-06. Review status: no assertion criteria provided. Collection method: clinical testing. Allele origin: unknown. Not counted in ClinVar's aggregate classification.

OMIM
Classification: Pathogenic for BLOOM SYNDROME. Last evaluated: 1995-11-17. Review status: no assertion criteria provided. Collection method: literature only. Allele origin: germline. Not counted in ClinVar's aggregate classification.

Literature cited by the submitters: PubMed 17407155 (cited by Labcorp Genetics (formerly Invitae), Labcorp and Counsyl); PubMed 7585968 (cited by Labcorp Genetics (formerly Invitae), Labcorp and OMIM).